The following is an entry in ClinVar:

NM_000122.2(ERCC3):c.1457C>T (p.Pro486Leu)

Gene: ERCC3 (ERCC excision repair 3, TFIIH core complex helicase subunit; minus strand). Cytogenetic location: 2q14.3.
Variant type: single nucleotide variant.
Coding change: c.1457C>T on transcript NM_000122.2 (MANE Select); coding-DNA position 1457, C replaced by T.
Protein change: p.Pro486Leu; replaces proline 486 with leucine.
Molecular consequence: missense variant.
Genome position (GRCh38, 1-based): chr2:127,280,517, G>A on the plus strand (C>T on the coding strand, the complement: ERCC3 is on the minus strand). VCF-style: chr2-127280517-G-A. GRCh37 (hg19) VCF-style: chr2-128038093-G-A.
Other names: c.1265C>T, p.Pro422Leu (NM_001303416.2, NM_001303418.2); short protein forms P422L, P486L.
Identifiers: ClinVar variation 1327109 (VCV001327109.1), dbSNP rs759152503, ClinGen allele CA1858266.

ClinVar aggregate classification (germline): Uncertain significance (1 of 4 stars; one submission).

Conditions:
Trichothiodystrophy 2, photosensitive (TTD2). Identifiers: Orphanet 33364, MedGen C4225344, MONDO:0014615, OMIM 616390.

Allele frequency attached by ClinVar (database versions not stated): ExAC 0.00004; gnomAD 0.00001; gnomAD exomes 0.00005; TOPMed 0.00005.
gnomAD v4.1: 14 of 1,613,916 alleles (0.00087%); highest among the groups gnomAD compares: Admixed American, 0.023%; no homozygotes.

Submission:

Baylor Genetics
Classification: Uncertain significance for Trichothiodystrophy 2, photosensitive. Last evaluated: 2021-04-29. Review status: criteria provided, single submitter. Criteria: ACMG Guidelines, 2015. Collection method: clinical testing. Allele origin: unknown. Affected: yes. Study: CSER-TexasKidsCanSeq.
Comment: This variant was determined to be of uncertain significance according to ACMG Guidelines, 2015 [PMID:25741868].